The following is an entry in ClinVar:

NM_015512.5(DNAH1):c.10915G>A (p.Ala3639Thr)

Gene: DNAH1 (dynein axonemal heavy chain 1; plus strand). Cytogenetic location: 3p21.1.
Variant type: single nucleotide variant.
Coding change: c.10915G>A on transcript NM_015512.5 (MANE Select); coding-DNA position 10915, G replaced by A.
Protein change: p.Ala3639Thr; replaces alanine 3639 with threonine.
Molecular consequence: missense variant.
Genome position (GRCh38, 1-based): chr3:52,395,006, G>A. VCF-style: chr3-52395006-G-A. GRCh37 (hg19) VCF-style: chr3-52429022-G-A.
Other names: p.Ala3639Thr; short protein forms A3639T.
Identifiers: ClinVar variation 478392 (VCV000478392.12), dbSNP rs138940904, ClinGen allele CA2435997.

ClinVar aggregate classification (germline): Conflicting classifications of pathogenicity. Review status: criteria provided, conflicting classifications (1 of 4 stars). 3 submissions from 3 submitters: Uncertain significance (1); Likely benign (2). Last evaluated 2026-01-25.

Conditions:
Spermatogenic failure 18. Identifiers: MedGen C4539783, MONDO:0054615, OMIM 617576.
Ciliary dyskinesia, primary, 37 (CILD37). Also called: CILIARY DYSKINESIA, PRIMARY, 37, WITH OR WITHOUT SITUS INVERSUS. Identifiers: MedGen C4539798, MONDO:0033204, OMIM 617577.

Allele frequency attached by ClinVar (database versions not stated): 1000 Genomes Project 30x 0.00078; 1000 Genomes Project 0.00080; gnomAD 0.00123 and 0.00131; TOPMed 0.00134; ESP Exome Variant Server 0.00152.

Submissions (3):

Labcorp Genetics (formerly Invitae), Labcorp
Classification: Likely benign for Ciliary dyskinesia, primary, 37; Spermatogenic failure 18. Last evaluated: 2026-01-25. Review status: criteria provided, single submitter. Criteria: Invitae Variant Classification Sherloc (09022015). Collection method: clinical testing. Allele origin: germline.

Mayo Clinic Laboratories, Mayo Clinic
Classification: Uncertain significance. Last evaluated: 2025-06-20. Review status: criteria provided, single submitter. Criteria: ACMG Guidelines, 2015. Collection method: clinical testing. Allele origin: germline. Observed: 1 variant allele.
Comment: BS1

Blueprint Genetics
Classification: Likely benign. Last evaluated: 2024-11-21. Review status: criteria provided, single submitter. Criteria: ACMG Guidelines, 2015. Collection method: clinical testing. Allele origin: germline.

Literature cited by the submitters: PubMed 31920912 (cited by Mayo Clinic Laboratories, Mayo Clinic).